The following is an entry in ClinVar:

NM_000297.4(PKD2):c.141C>G (p.Cys47Trp)

Genes: PKD2 (polycystin 2, transient receptor potential cation channel; plus strand), LOC129992813 (ATAC-STARR-seq lymphoblastoid silent region 15559; plus strand). Cytogenetic location: 4q22.1.
Variant type: single nucleotide variant.
Coding change: c.141C>G on transcript NM_000297.4 (MANE Select); coding-DNA position 141, C replaced by G.
Protein change: p.Cys47Trp; replaces cysteine 47 with tryptophan.
Molecular consequence: missense variant. On other transcripts: non-coding transcript variant (1).
Genome position (GRCh38, 1-based): chr4:88,007,874, C>G. VCF-style: chr4-88007874-C-G. GRCh37 (hg19) VCF-style: chr4-88929026-C-G.
Other names: short protein forms C47W.
Identifiers: ClinVar variation 3651888 (VCV003651888.2).
Genomic context (GRCh38, chr4:88,007,874, plus strand): 5'-CCGGCTGATGGCTGGCTGCGCGGCCGTGGGCGCCAGCCTCGCCGCCCCGGGCGGCCTCTG[C>G]GAGCAGCGGGGCCTGGAGATCGAGATGCAGCGCATCCGGCAGGCGGCCGCGCGGGACCCC-3'
Protein context (NP_000288.1, residues 37-57): GASLAAPGGL[Cys47Trp]EQRGLEIEMQ

ClinVar aggregate classification (germline): Uncertain significance (1 of 4 stars; one submission).

Conditions:
Autosomal dominant polycystic kidney disease. Identifiers: Orphanet 730, MedGen C0085413, MONDO:0004691.

Submission:

Labcorp Genetics (formerly Invitae), Labcorp
Classification: Uncertain significance for Autosomal dominant polycystic kidney disease. Last evaluated: 2024-05-01. Review status: criteria provided, single submitter. Criteria: Invitae Variant Classification Sherloc (09022015). Collection method: clinical testing. Allele origin: germline.
Comment: This sequence change replaces cysteine, which is neutral and slightly polar, with tryptophan, which is neutral and slightly polar, at codon 47 of the PKD2 protein (p.Cys47Trp). This variant is not present in population databases (gnomAD no frequency). This variant has not been reported in the literature in individuals affected with PKD2-related conditions. An algorithm developed to predict the effect of missense changes on protein structure and function (PolyPhen-2) suggests that this variant is likely to be tolerated. In summary, the available evidence is currently insufficient to determine the role of this variant in disease. Therefore, it has been classified as a Variant of Uncertain Significance.